The following is an entry in ClinVar:

NM_002317.7(LOX):c.4C>A (p.Arg2Ser)

Genes: LOX (lysyl oxidase; minus strand), SRFBP1 (serum response factor binding protein 1; plus strand). Cytogenetic location: 5q23.1.
Variant type: single nucleotide variant.
Coding change: c.4C>A on transcript NM_002317.7 (MANE Select); coding-DNA position 4, C replaced by A.
Protein change: p.Arg2Ser; replaces arginine 2 with serine.
Molecular consequence: missense variant.
Genome position (GRCh38, 1-based): chr5:122,077,982, G>T on the plus strand (C>A on the coding strand, the complement: LOX is on the minus strand). VCF-style: chr5-122077982-G-T. GRCh37 (hg19) VCF-style: chr5-121413677-G-T.
Other names: p.Arg2Ser; short protein forms R2S.
Identifiers: ClinVar variation 3379599 (VCV003379599.2).
Genomic context (GRCh38, chr5:122,077,982, plus strand): 5'-CGCAGTGCACTAGCGCGCAGAGCTGCAAAGGCCCGAGCAGGAGCACGGTCCAGGCGAAGC[G>T]CATCACTCCTTTTGCCAGATTGACCCCGCTCGAGGAGGACGTGGCTCACAGAAAATAAAA-3'
Protein context (NP_002308.2, residues 1-12): M[Arg2Ser]FAWTVLLLGP

ClinVar aggregate classification (germline): Uncertain significance. Review status: criteria provided, multiple submitters, no conflicts (2 of 4 stars). 2 submissions from 2 submitters: Uncertain significance (2). Last evaluated 2025-08-29.

gnomAD v4.1: 5 of 1,455,266 alleles (0.00034%); highest among the groups gnomAD compares: Non-Finnish European, 0.00045%; no homozygotes.

Submissions (2):

Labcorp Genetics (formerly Invitae), Labcorp
Classification: Uncertain significance. Last evaluated: 2025-08-29. Review status: criteria provided, single submitter. Criteria: Invitae Variant Classification Sherloc (09022015). Collection method: clinical testing. Allele origin: germline.
Comment: This sequence change replaces arginine, which is basic and polar, with serine, which is neutral and polar, at codon 2 of the LOX protein (p.Arg2Ser). This variant is present in population databases (no rsID available, gnomAD 0.001%). This variant has not been reported in the literature in individuals affected with LOX-related conditions. ClinVar contains an entry for this variant (Variation ID: 3379599). Invitae Evidence Modeling of protein sequence and biophysical properties (such as structural, functional, and spatial information, amino acid conservation, physicochemical variation, residue mobility, and thermodynamic stability) has been performed for this missense variant. However, the output from this modeling did not meet the statistical confidence thresholds required to predict the impact of this variant on LOX protein function. In summary, the available evidence is currently insufficient to determine the role of this variant in disease. Therefore, it has been classified as a Variant of Uncertain Significance.

Mayo Clinic Laboratories, Mayo Clinic
Classification: Uncertain significance. Last evaluated: 2024-04-02. Review status: criteria provided, single submitter. Criteria: ACMG Guidelines, 2015. Collection method: clinical testing. Allele origin: germline. Observed: 1 variant allele.
Comment: BP4